The following is an entry in ClinVar:

ClinVar aggregate classification (germline): Conflicting classifications of pathogenicity. Review status: criteria provided, conflicting classifications (1 of 4 stars). 2 submissions from 2 submitters: Uncertain significance (1); Likely benign (1). Last evaluated 2025-10-21.

Conditions:
Myofibrillar myopathy 6. Identifiers: Orphanet 199340, MedGen C2751831, MONDO:0013061, OMIM 612954.
Dilated cardiomyopathy 1HH (CMD1HH). Identifiers: Orphanet 154, MedGen C3151293, MONDO:0013479, OMIM 613881.
Cardiovascular phenotype. Identifiers: MedGen CN230736.

Allele frequency attached by ClinVar (database versions not stated): gnomAD 0.00003; TOPMed 0.00003; ESP Exome Variant Server 0.00008.
gnomAD v4.1: 7 of 1,614,082 alleles (0.00043%); highest among the groups gnomAD compares: African/African-American, 0.008%; no homozygotes.

Submissions (2):

Labcorp Genetics (formerly Invitae), Labcorp
Classification: Likely benign for Dilated cardiomyopathy 1HH; Myofibrillar myopathy 6. Last evaluated: 2025-10-21. Review status: criteria provided, single submitter. Criteria: Invitae Variant Classification Sherloc (09022015). Collection method: clinical testing. Allele origin: germline.

Ambry Genetics
Classification: Uncertain significance for Cardiovascular phenotype. Last evaluated: 2023-08-03. Review status: criteria provided, single submitter. Criteria: Ambry Variant Classification Scheme 2023. Collection method: clinical testing. Allele origin: germline.
Comment: The p.V422M variant (also known as c.1264G>A), located in coding exon 4 of the BAG3 gene, results from a G to A substitution at nucleotide position 1264. The valine at codon 422 is replaced by methionine, an amino acid with highly similar properties. This amino acid position is well conserved in available vertebrate species. In addition, this alteration is predicted to be tolerated by in silico analysis. Since supporting evidence is limited at this time, the clinical significance of this alteration remains unclear.

NM_004281.4(BAG3):c.1264G>A (p.Val422Met)

Gene: BAG3 (BAG cochaperone 3; plus strand). Cytogenetic location: 10q26.11.
Variant type: single nucleotide variant.
Coding change: c.1264G>A on transcript NM_004281.4 (MANE Select); coding-DNA position 1264, G replaced by A.
Protein change: p.Val422Met; replaces valine 422 with methionine.
Molecular consequence: missense variant.
Genome position (GRCh38, 1-based): chr10:119,676,818, G>A. VCF-style: chr10-119676818-G-A. GRCh37 (hg19) VCF-style: chr10-121436330-G-A.
Other names: short protein forms V422M.
Identifiers: ClinVar variation 1503416 (VCV001503416.9), dbSNP rs371476147, ClinGen allele CA5716523.